The following is an entry in ClinVar:

ClinVar aggregate classification (germline): Uncertain significance (1 of 4 stars; one submission).

Submission:

Labcorp Genetics (formerly Invitae), Labcorp
Classification: Uncertain significance. Last evaluated: 2021-02-24. Review status: criteria provided, single submitter. Criteria: Invitae Variant Classification Sherloc (09022015). Collection method: clinical testing. Allele origin: germline.
Comment: In summary, the available evidence is currently insufficient to determine the role of this variant in disease. Therefore, it has been classified as a Variant of Uncertain Significance. This sequence change falls in intron 5 of the MAK gene. It does not directly change the encoded amino acid sequence of the MAK protein, but it affects a nucleotide within the consensus splice site of the intron. This variant is not present in population databases (ExAC no frequency). This variant has not been reported in the literature in individuals with MAK-related conditions. Nucleotide substitutions within the consensus splice site are a relatively common cause of aberrant splicing (PMID: 17576681, 9536098). Algorithms developed to predict the effect of sequence changes on RNA splicing suggest that this variant may disrupt the consensus splice site, but this prediction has not been confirmed by published transcriptional studies.

Literature cited by the submitters: PubMed 17576681; PubMed 9536098.

NM_001242957.3(MAK):c.491+3G>T

Gene: MAK (male germ cell associated kinase; minus strand). Cytogenetic location: 6p24.2.
Variant type: single nucleotide variant.
Coding change: c.491+3G>T on transcript NM_001242957.3 (MANE Select); 3 bases into the intron after coding-DNA position 491, G replaced by T.
Molecular consequence: intron variant.
Genome position (GRCh38, 1-based): chr6:10,808,807, C>A on the plus strand (G>T on the coding strand, the complement: MAK is on the minus strand). VCF-style: chr6-10808807-C-A. GRCh37 (hg19) VCF-style: chr6-10809040-C-A.
Other names: c.389+3G>T (NM_001377262.1); c.491+3G>T (NM_005906.6, NM_001242385.2).
Identifiers: ClinVar variation 847807 (VCV000847807.7), dbSNP rs1484420762, ClinGen allele CA916082806.